The following is an entry in ClinVar:

NC_000023.10:g.(?_37639262)_(37660621_?)del

Gene: CYBB (cytochrome b-245 beta chain; plus strand). Cytogenetic location: Xp11.4.
Variant type: Deletion.
Identifiers: ClinVar variation 2423024 (VCV002423024.6).

ClinVar aggregate classification (germline): Pathogenic (1 of 4 stars; one submission).

Conditions:
Granulomatous disease, chronic, X-linked. Also called: CYTOCHROME b-NEGATIVE GRANULOMATOUS DISEASE, CHRONIC, X-LINKED; GRANULOMATOUS DISEASE, CHRONIC, X-LINKED, SOMATIC MOSAIC. Identifiers: Orphanet 379, MedGen C1844376, MONDO:0010600, OMIM 306400.

Submission:

Labcorp Genetics (formerly Invitae), Labcorp
Classification: Pathogenic for Granulomatous disease, chronic, X-linked. Last evaluated: 2022-05-28. Review status: criteria provided, single submitter. Criteria: Invitae Variant Classification Sherloc (09022015). Collection method: clinical testing. Allele origin: germline.
Comment: This variant is a gross deletion of the genomic region encompassing exon(s) 1-8 of the CYBB gene, which includes the initiator codon. This deletion extends beyond the assayed region for this gene and therefore may encompass additional genes. It is expected to result in an absent or disrupted protein product. Loss-of-function variants in CYBB are known to be pathogenic (PMID: 9585602, 20729109). For these reasons, this variant has been classified as Pathogenic. This variant has not been reported in the literature in individuals affected with CYBB-related conditions.

Literature cited by the submitters: PubMed 9585602; PubMed 20729109.